The following is an entry in ClinVar:

ClinVar aggregate classification (germline): Likely benign. Review status: criteria provided, multiple submitters, no conflicts (2 of 4 stars). 2 submissions from 2 submitters: Likely benign (2). Last evaluated 2024-08-05.

Conditions:
Juvenile polyposis syndrome (JPS). Identifiers: Orphanet 2929, MedGen C0345893, MONDO:0017380, OMIM 174900.

Submissions (2):

Myriad Genetics, Inc.
Classification: Likely benign for Juvenile polyposis syndrome. Last evaluated: 2024-08-05. Review status: criteria provided, single submitter. Criteria: Myriad Autosomal Dominant, Autosomal Recessive and X-Linked Classification Criteria (2023). Collection method: clinical testing. Allele origin: unknown.
Comment: This variant is considered likely benign. This variant is intronic and is not expected to impact mRNA splicing.

Labcorp Genetics (formerly Invitae), Labcorp
Classification: Likely benign for Juvenile polyposis syndrome. Last evaluated: 2023-08-01. Review status: criteria provided, single submitter. Criteria: Invitae Variant Classification Sherloc (09022015). Collection method: clinical testing. Allele origin: germline.

NM_004329.3(BMPR1A):c.868+8C>T

Gene: BMPR1A (bone morphogenetic protein receptor type 1A; plus strand). Cytogenetic location: 10q23.2.
Variant type: single nucleotide variant.
Coding change: c.868+8C>T on transcript NM_004329.3 (MANE Select); 8 bases into the intron after coding-DNA position 868, C replaced by T.
Molecular consequence: intron variant.
Genome position (GRCh38, 1-based): chr10:86,917,334, C>T. VCF-style: chr10-86917334-C-T. GRCh37 (hg19) VCF-style: chr10-88677091-C-T.
Identifiers: ClinVar variation 1609410 (VCV001609410.9), dbSNP rs1843589393, ClinGen allele CA2573145710.